The following is an entry in ClinVar:

NM_005138.3(SCO2):c.777G>A (p.Ala259=)

Genes: NCAPH2 (non-SMC condensin II complex subunit H2; plus strand), SCO2 (synthesis of cytochrome C oxidase 2; minus strand). Cytogenetic location: 22q13.33.
Variant type: single nucleotide variant.
Coding change: c.777G>A on transcript NM_005138.3 (MANE Select); coding-DNA position 777, G replaced by A.
Protein change: p.Ala259=; no amino-acid change (alanine 259 retained).
Molecular consequence: synonymous variant. On other transcripts: 3 prime UTR variant (2).
Genome position (GRCh38, 1-based): chr22:50,523,635, C>T on the plus strand (G>A on the coding strand, the complement: SCO2 is on the minus strand). VCF-style: chr22-50523635-C-T. GRCh37 (hg19) VCF-style: chr22-50962064-C-T.
Other names: c.*260C>T (NM_001185011.2, NM_152299.4); c.777G>A, p.Ala259= (NM_001169109.2, NM_001169110.1, NM_001169111.2).
Identifiers: ClinVar variation 2046423 (VCV002046423.6), dbSNP rs375632322, ClinGen allele CA10321107.

ClinVar aggregate classification (germline): Likely benign. Review status: criteria provided, single submitter (1 of 4 stars). 2 submissions from 2 submitters: Likely benign (1). 1 of the submissions does not count toward it. Last evaluated 2025-11-10.

Conditions:
SCO2-related disorder. Also called: SCO2-related condition.

Allele frequency attached by ClinVar (database versions not stated): 1000 Genomes Project 0.00020; gnomAD 0.00003; TOPMed 0.00004; 1000 Genomes Project 30x 0.00031; ESP Exome Variant Server 0.00008.
gnomAD v4.1: 59 of 1,613,732 alleles (0.0037%); highest among the groups gnomAD compares: Middle Eastern, 0.034%; no homozygotes.

Submissions (2):

Labcorp Genetics (formerly Invitae), Labcorp
Classification: Likely benign. Last evaluated: 2025-11-10. Review status: criteria provided, single submitter. Criteria: Invitae Variant Classification Sherloc (09022015). Collection method: clinical testing. Allele origin: germline.

PreventionGenetics, part of Exact Sciences
Classification: Likely benign for SCO2-related condition. Last evaluated: 2019-05-02. Review status: no assertion criteria provided. Collection method: clinical testing. Allele origin: germline. Not counted in ClinVar's aggregate classification.
Comment: This variant is classified as likely benign based on ACMG/AMP sequence variant interpretation guidelines (Richards et al. 2015 PMID: 25741868, with internal and published modifications).